The following is an entry in ClinVar:

ClinVar aggregate classification (germline): Uncertain significance. Review status: criteria provided, multiple submitters, no conflicts (2 of 4 stars). 3 submissions from 3 submitters: Uncertain significance (3). Last evaluated 2025-07-06.

Conditions:
Loeys-Dietz syndrome 2 (LDS2). Also called: Marfan syndrome, type 2 (formerly); TGFBR2-Related Loeys-Dietz Syndrome; AORTIC ANEURYSM, FAMILIAL THORACIC 3; MARFAN SYNDROME, TYPE II; Marfan Syndrome type 2; Marfan like connective tissue disorder. Identifiers: Orphanet 284973, Orphanet 558, MedGen C2674574, MONDO:0012427, OMIM 610168.

Allele frequency attached by ClinVar (database versions not stated): gnomAD exomes below 0.00001 and 0.00001.
gnomAD v4.1: 8 of 1,614,178 alleles (0.0005%); highest among the groups gnomAD compares: South Asian, 0.0011%; no homozygotes.

Submissions (3):

Ambry Genetics
Classification: Uncertain significance. Last evaluated: 2025-07-06. Review status: criteria provided, single submitter. Criteria: Ambry Variant Classification Scheme 2023. Collection method: clinical testing. Allele origin: germline.
Comment: The p.I485T variant (also known as c.1454T>C), located in coding exon 4 of the TMPO gene, results from a T to C substitution at nucleotide position 1454. The isoleucine at codon 485 is replaced by threonine, an amino acid with similar properties. This amino acid position is conserved. In addition, this alteration is predicted to be tolerated by in silico analysis. Since supporting evidence is limited at this time, the clinical significance of this alteration remains unclear.

Labcorp Genetics (formerly Invitae), Labcorp
Classification: Uncertain significance for Loeys-Dietz syndrome 2. Last evaluated: 2023-08-01. Review status: criteria provided, single submitter. Criteria: Invitae Variant Classification Sherloc (09022015). Collection method: clinical testing. Allele origin: germline.
Comment: In summary, the available evidence is currently insufficient to determine the role of this variant in disease. Therefore, it has been classified as a Variant of Uncertain Significance. Advanced modeling of protein sequence and biophysical properties (such as structural, functional, and spatial information, amino acid conservation, physicochemical variation, residue mobility, and thermodynamic stability) performed at Invitae indicates that this missense variant is not expected to disrupt TMPO protein function. ClinVar contains an entry for this variant (Variation ID: 1309178). This variant has not been reported in the literature in individuals affected with TMPO-related conditions. This variant is present in population databases (no rsID available, gnomAD 0.003%). This sequence change replaces isoleucine, which is neutral and non-polar, with threonine, which is neutral and polar, at codon 485 of the TMPO protein (p.Ile485Thr).

GeneDx
Classification: Uncertain significance. Last evaluated: 2019-10-10. Review status: criteria provided, single submitter. Criteria: GeneDx Variant Classification Process June 2021. Collection method: clinical testing. Allele origin: germline. Affected: yes.
Comment: Not observed at a significant frequency in large population cohorts (Lek et al., 2016); In silico analysis, which includes protein predictors and evolutionary conservation, supports that this variant does not alter protein structure/function; Has not been previously published as pathogenic or benign to our knowledge

NM_001032283.3(TMPO):c.565+1873T>C

Gene: TMPO (thymopoietin; plus strand). Cytogenetic location: 12q23.1.
Variant type: single nucleotide variant.
Coding change: c.565+1873T>C on transcript NM_001032283.3 (MANE Select); 1873 bases into the intron after coding-DNA position 565, T replaced by C.
Molecular consequence: intron variant. On other transcripts: missense variant (1).
Genome position (GRCh38, 1-based): chr12:98,533,711, T>C. VCF-style: chr12-98533711-T-C. GRCh37 (hg19) VCF-style: chr12-98927489-T-C.
Other names: c.1454T>C, p.Ile485Thr (NM_003276.2); c.565+1873T>C (NM_001307975.2, NM_001032284.3); short protein forms I485T.
Identifiers: ClinVar variation 1309178 (VCV001309178.11), dbSNP rs1238424266, ClinGen allele CA386153222.